The following is an entry in ClinVar:

NM_007118.4(TRIO):c.6560G>A (p.Arg2187His)

Gene: TRIO (trio Rho guanine nucleotide exchange factor; plus strand). Cytogenetic location: 5p15.2.
Variant type: single nucleotide variant.
Coding change: c.6560G>A on transcript NM_007118.4 (MANE Select); coding-DNA position 6560, G replaced by A.
Protein change: p.Arg2187His; replaces arginine 2187 with histidine.
Molecular consequence: missense variant. On other transcripts: non-coding transcript variant (1).
Genome position (GRCh38, 1-based): chr5:14,482,676, G>A. VCF-style: chr5-14482676-G-A. GRCh37 (hg19) VCF-style: chr5-14482785-G-A.
Other names: c.6560G>A (NM_007118.2); short protein forms R2187H.
Identifiers: ClinVar variation 1049221 (VCV001049221.2), dbSNP rs1177557321, ClinGen allele CA359235618.

ClinVar aggregate classification (germline): Uncertain significance. Review status: criteria provided, single submitter (1 of 4 stars). 2 submissions from 2 submitters: Uncertain significance (1). 1 of the submissions does not count toward it. Last evaluated 2024-05-14.

Allele frequency attached by ClinVar (database versions not stated): gnomAD exomes below 0.00001; TOPMed 0.00001.
gnomAD v4.1: 7 of 1,610,634 alleles (0.00043%); highest among the groups gnomAD compares: Non-Finnish European, 0.00051%; no homozygotes.

Submissions (2):

GeneDx
Classification: Uncertain significance. Last evaluated: 2024-05-14. Review status: criteria provided, single submitter. Criteria: GeneDx Variant Classification Process June 2021. Collection method: clinical testing. Allele origin: germline. Affected: yes.
Comment: In silico analysis indicates that this missense variant does not alter protein structure/function; Has not been previously published as pathogenic or benign to our knowledge

Department of Pathology and Laboratory Medicine, Sinai Health System
Classification: Uncertain significance. Review status: no assertion criteria provided. Collection method: clinical testing. Allele origin: unknown. Affected: yes. Study: The Canadian Open Genetics Repository (COGR). Not counted in ClinVar's aggregate classification.
Comment: The TRIO p.Arg2187His variant was identified in dbSNP (ID: rs1177557321) but was not identified in ClinVar, Cosmic, or LOVD 3.0. The variant was identified in control databases in 1 of 249538 chromosomes at a frequency of 0.000004 (Genome Aggregation Database Feb 27, 2017). The variant was observed in the European (non-Finnish) population in 1 of 113100 chromosomes (freq: 0.000009), while the variant was not observed in the African, Latino, Ashkenazi Jewish, East Asian, European (Finnish), South Asian or Other populations. The p.Arg2187 residue is conserved in mammals and computational analyses (PolyPhen-2, SIFT, AlignGVGD, BLOSUM, MutationTaster) provide inconsistent predictions regarding the impact to the protein; this information is not very predictive of pathogenicity. The variant occurs outside of the splicing consensus sequence and 3 out of 4 in silico or computational prediction software programs (MaxEntScan, NNSPLICE, GeneSplicer) do not predict a difference in splicing, while one program (SpliceSiteFinder) predicts a new 5â€šÃ„Ã´ splice site. In summary, based on the above information this variant meets our laboratory's criteria to be classified as a variant of uncertain significance.